The following is an entry in ClinVar:

NM_004304.5(ALK):c.1705G>A (p.Val569Met)

Gene: ALK (ALK receptor tyrosine kinase; minus strand). Cytogenetic location: 2p23.2.
Variant type: single nucleotide variant.
Coding change: c.1705G>A on transcript NM_004304.5 (MANE Select); coding-DNA position 1705, G replaced by A.
Protein change: p.Val569Met; replaces valine 569 with methionine.
Molecular consequence: missense variant.
Genome position (GRCh38, 1-based): chr2:29,297,000, C>T on the plus strand (G>A on the coding strand, the complement: ALK is on the minus strand). VCF-style: chr2-29297000-C-T. GRCh37 (hg19) VCF-style: chr2-29519866-C-T.
Other names: short protein forms V569M.
Identifiers: ClinVar variation 470768 (VCV000470768.11), dbSNP rs754971913, ClinGen allele CA1594555.

ClinVar aggregate classification (germline): Conflicting classifications of pathogenicity. Review status: criteria provided, conflicting classifications (1 of 4 stars). 2 submissions from 2 submitters: Uncertain significance (1); Likely benign (1). Last evaluated 2025-11-05.

Conditions:
Hereditary cancer-predisposing syndrome. Also called: Hereditary neoplastic syndrome; Neoplastic Syndromes, Hereditary; Tumor predisposition; Hereditary Cancer Syndrome. Identifiers: Orphanet 140162, MedGen C0027672, MeSH D009386, MONDO:0015356.
Neuroblastoma, susceptibility to, 3. Also called: ALK-Related Neuroblastic Tumor Susceptibility. Identifiers: Orphanet 635, MedGen C2751681, MONDO:0013083, OMIM 613014.

Allele frequency attached by ClinVar (database versions not stated): gnomAD exomes below 0.00001; ExAC 0.00001.
gnomAD v4.1: 3 of 1,614,224 alleles (0.00019%); highest among the groups gnomAD compares: Middle Eastern, 0.016%; no homozygotes.

Submissions (2):

Labcorp Genetics (formerly Invitae), Labcorp
Classification: Uncertain significance for Neuroblastoma, susceptibility to, 3. Last evaluated: 2025-11-05. Review status: criteria provided, single submitter. Criteria: Invitae Variant Classification Sherloc (09022015). Collection method: clinical testing. Allele origin: germline.
Comment: This sequence change replaces valine, which is neutral and non-polar, with methionine, which is neutral and non-polar, at codon 569 of the ALK protein (p.Val569Met). This variant is not present in population databases (gnomAD no frequency). This variant has not been reported in the literature in individuals affected with ALK-related conditions. ClinVar contains an entry for this variant (Variation ID: 470768). An algorithm developed to predict the effect of missense changes on protein structure and function outputs the following: PolyPhen-2: "Benign". The methionine amino acid residue is found in multiple mammalian species, which suggests that this missense change does not adversely affect protein function. In summary, the available evidence is currently insufficient to determine the role of this variant in disease. Therefore, it has been classified as a Variant of Uncertain Significance.

Ambry Genetics
Classification: Likely benign for Hereditary cancer-predisposing syndrome. Last evaluated: 2025-04-09. Review status: criteria provided, single submitter. Criteria: Ambry Variant Classification Scheme 2023. Collection method: clinical testing. Allele origin: germline.